The following is an entry in ClinVar:

ClinVar aggregate classification (germline): Benign. Review status: criteria provided, multiple submitters, no conflicts (2 of 4 stars). 3 submissions from 3 submitters: Benign (2). 1 of the submissions does not count toward it. Last evaluated 2026-01-06.

Conditions:
PLP1-related disorder. Also called: PLP1-related condition; PLP1-Related Disorders. Identifiers: MedGen CN378767.
Hereditary spastic paraplegia 2 (SPG2). Also called: Spastic Paraplegia 2 (SPG2); SPASTIC PARAPLEGIA 2, X-LINKED. Identifiers: Orphanet 99015, MedGen C0751604, MONDO:0010733, OMIM 312920.

Allele frequency attached by ClinVar (database versions not stated): gnomAD exomes 0.00002 and 0.00007; ExAC 0.00007; ESP Exome Variant Server 0.00009; gnomAD 0.00036 and 0.00039; TOPMed 0.00056; 1000 Genomes Project 30x 0.00062; 1000 Genomes Project 0.00079.
gnomAD v4.1: 75 of 1,207,164 alleles (0.0062%); highest among the groups gnomAD compares: Admixed American, 0.057%; 2 homozygotes.

Submissions (3):

Labcorp Genetics (formerly Invitae), Labcorp
Classification: Benign for Hereditary spastic paraplegia 2. Last evaluated: 2026-01-06. Review status: criteria provided, single submitter. Criteria: Invitae Variant Classification Sherloc (09022015). Collection method: clinical testing. Allele origin: germline.

Athena Diagnostics
Classification: Benign. Last evaluated: 2024-02-20. Review status: criteria provided, single submitter. Criteria: Athena Diagnostics Criteria. Collection method: clinical testing. Allele origin: unknown.

PreventionGenetics, part of Exact Sciences
Classification: Likely benign for PLP1-related condition. Last evaluated: 2023-07-21. Review status: no assertion criteria provided. Collection method: clinical testing. Allele origin: germline. Not counted in ClinVar's aggregate classification.
Comment: This variant is classified as likely benign based on ACMG/AMP sequence variant interpretation guidelines (Richards et al. 2015 PMID: 25741868, with internal and published modifications).

NM_000533.5(PLP1):c.549C>A (p.Thr183=)

Genes: PLP1 (proteolipid protein 1; plus strand), RAB9B (RAB9B, member RAS oncogene family; minus strand). Cytogenetic location: Xq22.2.
Variant type: single nucleotide variant.
Coding change: c.549C>A on transcript NM_000533.5 (MANE Select); coding-DNA position 549, C replaced by A.
Protein change: p.Thr183=; no amino-acid change (threonine 183 retained).
Molecular consequence: synonymous variant.
Genome position (GRCh38, 1-based): chrX:103,787,893, C>A. VCF-style: chrX-103787893-C-A. GRCh37 (hg19) VCF-style: chrX-103042822-C-A.
Other names: c.549C>A, p.Thr183= (NM_001128834.3); c.384C>A, p.Thr128= (NM_001305004.1); c.444C>A, p.Thr148= (NM_199478.3); c.549C>A (NM_000533.3, NM_000533.4).
Identifiers: ClinVar variation 1599688 (VCV001599688.11), dbSNP rs184166250, ClinGen allele CA10478992.